The following is an entry in ClinVar:

ClinVar aggregate classification (germline): Uncertain significance (1 of 4 stars; one submission).

gnomAD v4.1: 3 of 1,600,594 alleles (0.00019%); highest among the groups gnomAD compares: Admixed American, 0.0052%; no homozygotes.

Submission:

Labcorp Genetics (formerly Invitae), Labcorp
Classification: Uncertain significance. Last evaluated: 2024-04-03. Review status: criteria provided, single submitter. Criteria: Invitae Variant Classification Sherloc (09022015). Collection method: clinical testing. Allele origin: germline.
Comment: This sequence change replaces alanine, which is neutral and non-polar, with threonine, which is neutral and polar, at codon 126 of the IFNAR1 protein (p.Ala126Thr). This variant also falls at the last nucleotide of exon 3, which is part of the consensus splice site for this exon. This variant is present in population databases (no rsID available, gnomAD 0.01%). This variant has not been reported in the literature in individuals affected with IFNAR1-related conditions. An algorithm developed to predict the effect of missense changes on protein structure and function (PolyPhen-2) suggests that this variant is likely to be disruptive. Variants that disrupt the consensus splice site are a relatively common cause of aberrant splicing (PMID: 17576681, 9536098). Algorithms developed to predict the effect of sequence changes on RNA splicing suggest that this variant may disrupt the consensus splice site. In summary, the available evidence is currently insufficient to determine the role of this variant in disease. Therefore, it has been classified as a Variant of Uncertain Significance.

Literature cited by the submitters: PubMed 17576681; PubMed 9536098.

NM_000629.3(IFNAR1):c.376G>A (p.Ala126Thr)

Gene: IFNAR1 (interferon alpha and beta receptor subunit 1; plus strand). Cytogenetic location: 21q22.11.
Variant type: single nucleotide variant.
Coding change: c.376G>A on transcript NM_000629.3 (MANE Select); coding-DNA position 376, G replaced by A.
Protein change: p.Ala126Thr; replaces alanine 126 with threonine.
Molecular consequence: missense variant. On other transcripts: 5 prime UTR variant (2).
Genome position (GRCh38, 1-based): chr21:33,341,174, G>A. VCF-style: chr21-33341174-G-A. GRCh37 (hg19) VCF-style: chr21-34713480-G-A.
Other names: c.376G>A, p.Ala126Thr (NM_001384498.1, NM_001384499.1, NM_001384501.1 and 1 more transcripts); c.-411G>A (NM_001384500.1); c.-87G>A (NM_001384502.1); c.169G>A, p.Ala57Thr (NM_001384504.1); short protein forms A126T, A57T.
Identifiers: ClinVar variation 3619213 (VCV003619213.1).